The following is an entry in ClinVar:

ClinVar aggregate classification (germline): Uncertain significance (1 of 4 stars; one submission).

gnomAD v4.1: 1 of 1,613,898 alleles (0.000062%); highest among the groups gnomAD compares: East Asian, 0.0022%; no homozygotes.

Submission:

Labcorp Genetics (formerly Invitae), Labcorp
Classification: Uncertain significance. Last evaluated: 2024-02-02. Review status: criteria provided, single submitter. Criteria: Invitae Variant Classification Sherloc (09022015). Collection method: clinical testing. Allele origin: germline.
Comment: This sequence change replaces valine, which is neutral and non-polar, with leucine, which is neutral and non-polar, at codon 653 of the IMPG1 protein (p.Val653Leu). This variant is present in population databases (rs573887374, gnomAD 0.006%). This variant has not been reported in the literature in individuals affected with IMPG1-related conditions. An algorithm developed to predict the effect of missense changes on protein structure and function (PolyPhen-2) suggests that this variant is likely to be disruptive. In summary, the available evidence is currently insufficient to determine the role of this variant in disease. Therefore, it has been classified as a Variant of Uncertain Significance.

NM_001563.4(IMPG1):c.1957G>C (p.Val653Leu)

Gene: IMPG1 (interphotoreceptor matrix proteoglycan 1; minus strand). Cytogenetic location: 6q14.1.
Variant type: single nucleotide variant.
Coding change: c.1957G>C on transcript NM_001563.4 (MANE Select); coding-DNA position 1957, G replaced by C.
Protein change: p.Val653Leu; replaces valine 653 with leucine.
Molecular consequence: missense variant.
Genome position (GRCh38, 1-based): chr6:75,947,401, C>G on the plus strand (G>C on the coding strand, the complement: IMPG1 is on the minus strand). VCF-style: chr6-75947401-C-G. GRCh37 (hg19) VCF-style: chr6-76657118-C-G.
Other names: c.1723G>C, p.Val575Leu (NM_001282368.2); short protein forms V575L, V653L.
Identifiers: ClinVar variation 3609365 (VCV003609365.2).